The following is an entry in ClinVar:

NM_000390.4(CHM):c.687del (p.Ile229fs)

Gene: CHM (CHM Rab escort protein; minus strand). Cytogenetic location: Xq21.2.
Variant type: Deletion.
Coding change: c.687del on transcript NM_000390.4 (MANE Select); coding-DNA position 687, one base deleted (T; older notation c.687delT).
Protein change: p.Ile229fs; shifts the reading frame from isoleucine 229.
Molecular consequence: frameshift variant.
Genome position (GRCh38, 1-based): chrX:85,963,680, A deleted on the plus strand (T on the coding strand, the reverse complement: CHM is on the minus strand); the first of 2 consecutive A bases (chrX:85,963,680-85,963,681); deleting either gives the same sequence. VCF-style (leftmost placement, unchanged base first): chrX-85963679-CA-C. GRCh37 (hg19) VCF-style: chrX-85218684-CA-C.
Other names: c.243del, p.Ile81fs (NM_001320959.1, NM_001362517.1, NM_001362518.2 and 1 more transcripts); short protein forms I81fs, I229fs.
Identifiers: ClinVar variation 4727668 (VCV004727668.1).

ClinVar aggregate classification (germline): Pathogenic (1 of 4 stars; one submission).

Submission:

Labcorp Genetics (formerly Invitae), Labcorp
Classification: Pathogenic. Last evaluated: 2025-09-22. Review status: criteria provided, single submitter. Criteria: Invitae Variant Classification Sherloc (09022015). Collection method: clinical testing. Allele origin: germline.
Comment: This sequence change creates a premature translational stop signal (p.Ile229Metfs*3) in the CHM gene. It is expected to result in an absent or disrupted protein product. Loss-of-function variants in CHM are known to be pathogenic (PMID: 9067750, 23811034). This variant is not present in population databases (gnomAD no frequency). This variant has not been reported in the literature in individuals affected with CHM-related conditions. For these reasons, this variant has been classified as Pathogenic.

Literature cited by the submitters: PubMed 9067750; PubMed 23811034.